The following is an entry in ClinVar:

ClinVar aggregate classification (germline): Uncertain significance (1 of 4 stars; one submission).

gnomAD v4.1: 30 of 1,610,826 alleles (0.0019%); highest among the groups gnomAD compares: Non-Finnish European, 0.0025%; no homozygotes.

Submission:

Labcorp Genetics (formerly Invitae), Labcorp
Classification: Uncertain significance. Last evaluated: 2022-09-27. Review status: criteria provided, single submitter. Criteria: Invitae Variant Classification Sherloc (09022015). Collection method: clinical testing. Allele origin: germline.
Comment: In summary, the available evidence is currently insufficient to determine the role of this variant in disease. Therefore, it has been classified as a Variant of Uncertain Significance. Variants that disrupt the consensus splice site are a relatively common cause of aberrant splicing (PMID: 17576681, 9536098). Algorithms developed to predict the effect of sequence changes on RNA splicing suggest that this variant is not likely to affect RNA splicing. ClinVar contains an entry for this variant (Variation ID: 1494742). This variant has not been reported in the literature in individuals affected with IL6R-related conditions. This variant is present in population databases (no rsID available, gnomAD 0.0009%). This sequence change falls in intron 3 of the IL6R gene. It does not directly change the encoded amino acid sequence of the IL6R protein. It affects a nucleotide within the consensus splice site.

Literature cited by the submitters: PubMed 17576681; PubMed 9536098.

NM_000565.4(IL6R):c.459-3C>T

Gene: IL6R (interleukin 6 receptor; plus strand). Cytogenetic location: 1q21.3.
Variant type: single nucleotide variant.
Coding change: c.459-3C>T on transcript NM_000565.4 (MANE Select); 3 bases into the intron before coding-DNA position 459, C replaced by T.
Molecular consequence: intron variant.
Genome position (GRCh38, 1-based): chr1:154,434,516, C>T. VCF-style: chr1-154434516-C-T. GRCh37 (hg19) VCF-style: chr1-154406992-C-T.
Other names: c.459-3C>T (NM_001382771.1, NM_001382773.1, NM_001382770.1 and 4 more transcripts); c.127-31C>T (NM_001382774.1).
Identifiers: ClinVar variation 1494742 (VCV001494742.6), dbSNP rs756240444, ClinGen allele CA30798500.